The following is an entry in ClinVar:

NM_019074.4(DLL4):c.672G>A (p.Ser224=)

Gene: DLL4 (delta like canonical Notch ligand 4; plus strand). Cytogenetic location: 15q15.1.
Variant type: single nucleotide variant.
Coding change: c.672G>A on transcript NM_019074.4 (MANE Select); coding-DNA position 672, G replaced by A.
Protein change: p.Ser224=; no amino-acid change (serine 224 retained).
Molecular consequence: synonymous variant.
Genome position (GRCh38, 1-based): chr15:40,932,184, G>A. VCF-style: chr15-40932184-G-A. GRCh37 (hg19) VCF-style: chr15-41224382-G-A.
Identifiers: ClinVar variation 713007 (VCV000713007.38), dbSNP rs61757617, ClinGen allele CA7487737.
Genomic context (GRCh38, chr15:40,932,184, plus strand): 5'-GAGTCCTTGGTATCCCAGCCTCACCCAGCTCTGTGTTCTTCCCTTAGCTATCTGTCTTTC[G>A]GGCTGTCATGAACAGAATGGCTACTGCAGCAAGCCAGCAGAGTGCCTGTGAGTAGGGGAC-3'
Protein context (NP_061947.1, residues 214-234): GEYCQQPICL[Ser224=]GCHEQNGYCS

ClinVar aggregate classification (germline): Benign/Likely benign. Review status: criteria provided, multiple submitters, no conflicts (2 of 4 stars). 5 submissions from 5 submitters: Benign (3); Likely benign (1). 1 of the submissions does not count toward it. Last evaluated 2026-01-25.

Conditions:
DLL4-related disorder. Also called: DLL4-related condition.

Allele frequency attached by ClinVar (database versions not stated): 1000 Genomes Project 30x 0.00047; 1000 Genomes Project 0.00060; ExAC 0.00093; ESP Exome Variant Server 0.00097; TOPMed 0.00115; gnomAD 0.00123 and 0.00125.
gnomAD v4.1: 2,443 of 1,613,956 alleles (0.15%); highest among the groups gnomAD compares: Non-Finnish European, 0.19%; 3 homozygotes.

Submissions (9):

Labcorp Genetics (formerly Invitae), Labcorp
Classification: Benign. Last evaluated: 2026-01-25. Review status: criteria provided, single submitter. Criteria: Invitae Variant Classification Sherloc (09022015). Collection method: clinical testing. Allele origin: germline.

CeGaT Center for Human Genetics Tuebingen
Classification: Benign. Last evaluated: 2025-02-01. Review status: criteria provided, single submitter. Criteria: CeGaT Center For Human Genetics Tuebingen Variant Classification Criteria Version 2. Collection method: clinical testing. Allele origin: germline. Affected: yes. Observed: 3 variant alleles.
Comment: DLL4: BS1, BS2

Blueprint Genetics
Classification: Likely benign. Last evaluated: 2024-11-25. Review status: criteria provided, single submitter. Criteria: ACMG Guidelines, 2015. Collection method: clinical testing. Allele origin: germline.

GeneDx
Classification: Benign. Last evaluated: 2021-03-08. Review status: criteria provided, single submitter. Criteria: GeneDx Variant Classification Process June 2021. Collection method: clinical testing. Allele origin: germline. Affected: yes.
Comment: In silico analysis, which includes splice predictors and evolutionary conservation, suggests this variant may impact gene splicing. In the absence of RNA/functional studies, the actual effect of this sequence change is unknown.; In silico analysis, which includes splice predictors and evolutionary conservation, suggests this variant may impact gene splicing. In the absence of RNA/functional studies, the actual effect of this sequence change is unknown.; Has not been previously published as pathogenic or benign to our knowledge

PreventionGenetics, part of Exact Sciences
Classification: Likely benign for DLL4-related condition. Last evaluated: 2022-08-14. Review status: no assertion criteria provided. Collection method: clinical testing. Allele origin: germline. Not counted in ClinVar's aggregate classification.
Comment: This variant is classified as likely benign based on ACMG/AMP sequence variant interpretation guidelines (Richards et al. 2015 PMID: 25741868, with internal and published modifications).

Dr. Peter K. Rogan Lab, Western University
No classification provided (evidence only). Condition: Lung cancer. Review status: no classification provided. Collection method: in vitro. Allele origin: not applicable. Functional consequence: retained intron. Not counted in ClinVar's aggregate classification.

Dr. Peter K. Rogan Lab, Western University
No classification provided (evidence only). Condition: Thyroid cancer, nonmedullary, 1. Review status: no classification provided. Collection method: in vitro. Allele origin: not applicable. Functional consequence: retained intron. Not counted in ClinVar's aggregate classification.

Dr. Peter K. Rogan Lab, Western University
No classification provided (evidence only). Condition: Ovarian serous cystadenocarcinoma. Review status: no classification provided. Collection method: in vitro. Allele origin: not applicable. Functional consequence: retained intron. Not counted in ClinVar's aggregate classification.

Dr. Peter K. Rogan Lab, Western University
No classification provided (evidence only). Condition: Malignant tumor of esophagus. Review status: no classification provided. Collection method: in vitro. Allele origin: not applicable. Functional consequence: retained intron. Not counted in ClinVar's aggregate classification.